The following is an entry in ClinVar:

NM_005633.4(SOS1):c.1168A>G (p.Ile390Val)

Gene: SOS1 (SOS Ras/Rac guanine nucleotide exchange factor 1; minus strand). Cytogenetic location: 2p22.1.
Variant type: single nucleotide variant.
Coding change: c.1168A>G on transcript NM_005633.4 (MANE Select); coding-DNA position 1168, A replaced by G.
Protein change: p.Ile390Val; replaces isoleucine 390 with valine.
Molecular consequence: missense variant.
Genome position (GRCh38, 1-based): chr2:39,024,044, T>C on the plus strand (A>G on the coding strand, the complement: SOS1 is on the minus strand). VCF-style: chr2-39024044-T-C. GRCh37 (hg19) VCF-style: chr2-39251185-T-C.
Other names: c.1147A>G, p.Ile383Val (NM_001382394.1); c.1168A>G, p.Ile390Val (NM_001382395.1); short protein forms I383V, I390V.
Identifiers: ClinVar variation 3447353 (VCV003447353.1).

ClinVar aggregate classification (germline): Uncertain significance (1 of 4 stars; one submission).

Conditions:
Cardiovascular phenotype. Identifiers: MedGen CN230736.

Submission:

Ambry Genetics
Classification: Uncertain significance for Cardiovascular phenotype. Last evaluated: 2024-11-18. Review status: criteria provided, single submitter. Criteria: Ambry Variant Classification Scheme 2023. Collection method: clinical testing. Allele origin: germline.
Comment: The p.I390V variant (also known as c.1168A>G), located in coding exon 9 of the SOS1 gene, results from an A to G substitution at nucleotide position 1168. The isoleucine at codon 390 is replaced by valine, an amino acid with highly similar properties. This amino acid position is conserved. In addition, the in silico prediction for this alteration is inconclusive. Based on the available evidence, the clinical significance of this variant remains unclear.